The following is an entry in ClinVar:

ClinVar aggregate classification (germline): Uncertain significance. Review status: criteria provided, multiple submitters, no conflicts (2 of 4 stars). 2 submissions from 2 submitters: Uncertain significance (2). Last evaluated 2024-04-06.

Conditions:
Inborn genetic diseases. Identifiers: MedGen C0950123, MeSH D030342.

Allele frequency attached by ClinVar (database versions not stated): gnomAD exomes below 0.00001; TOPMed 0.00002.
gnomAD v4.1: 8 of 1,614,170 alleles (0.0005%); highest among the groups gnomAD compares: Non-Finnish European, 0.00042%; no homozygotes.

Submissions (2):

Ambry Genetics
Classification: Uncertain significance for Inborn genetic diseases. Last evaluated: 2024-04-06. Review status: criteria provided, single submitter. Criteria: Ambry Variant Classification Scheme 2023. Collection method: clinical testing. Allele origin: germline.

Labcorp Genetics (formerly Invitae), Labcorp
Classification: Uncertain significance. Last evaluated: 2022-09-15. Review status: criteria provided, single submitter. Criteria: Invitae Variant Classification Sherloc (09022015). Collection method: clinical testing. Allele origin: germline.
Comment: In summary, the available evidence is currently insufficient to determine the role of this variant in disease. Therefore, it has been classified as a Variant of Uncertain Significance. Algorithms developed to predict the effect of missense changes on protein structure and function (SIFT, PolyPhen-2, Align-GVGD) all suggest that this variant is likely to be disruptive. This variant has not been reported in the literature in individuals affected with LTBP2-related conditions. This variant is not present in population databases (gnomAD no frequency). This sequence change replaces arginine, which is basic and polar, with histidine, which is basic and polar, at codon 1747 of the LTBP2 protein (p.Arg1747His).

NM_000428.3(LTBP2):c.5240G>A (p.Arg1747His)

Gene: LTBP2 (latent transforming growth factor beta binding protein 2; minus strand). Cytogenetic location: 14q24.3.
Variant type: single nucleotide variant.
Coding change: c.5240G>A on transcript NM_000428.3 (MANE Select); coding-DNA position 5240, G replaced by A.
Protein change: p.Arg1747His; replaces arginine 1747 with histidine.
Molecular consequence: missense variant.
Genome position (GRCh38, 1-based): chr14:74,501,521, C>T on the plus strand (G>A on the coding strand, the complement: LTBP2 is on the minus strand). VCF-style: chr14-74501521-C-T. GRCh37 (hg19) VCF-style: chr14-74968224-C-T.
Other names: c.5240G>A (NM_000428.2); short protein forms R1747H.
Identifiers: ClinVar variation 1930251 (VCV001930251.4), dbSNP rs951375544, ClinGen allele CA263577746.